The following is an entry in ClinVar:

ClinVar aggregate classification (germline): Conflicting classifications of pathogenicity. Review status: criteria provided, conflicting classifications (1 of 4 stars). 20 submissions from 20 submitters: Uncertain significance (1); Benign (8); Likely benign (5). 6 of the submissions do not count toward it. Last evaluated 2026-08-01.

Conditions:
Cardiovascular phenotype. Identifiers: MedGen CN230736.
Charcot-Marie-Tooth disease. Also called: Charcot-Marie-Tooth Neuropathy; Charcot-Marie-Tooth Hereditary Neuropathy. Identifiers: Orphanet 166, MedGen C0007959, MONDO:0015626.
Cardiomyopathy (CMYO). Also called: Cardiomyopathies. Identifiers: Orphanet 167848, MedGen C0878544, MONDO:0004994, HP:0001638. Inheritance: Various modes of inheritance.
Amyloidosis, hereditary systemic 1 (AMYLD1). Also called: Hereditary oculoleptomeningeal amyloid angiopathy; Familial Transthyretin Amyloidosis; Transthyretin Amyloidosis; Familial amyloid polyneuropathy; Hereditary Transthyretin Amyloidosis; AMYLOID CARDIOMYOPATHY. Identifiers: Orphanet 85447, Orphanet 85451, MedGen C2751492, MONDO:0971004, OMIM 105210.
Heart failure. Identifiers: MedGen C0018801, MONDO:0005252.

Allele frequency attached by ClinVar (database versions not stated): gnomAD exomes 0.00034 and 0.00060; TOPMed 0.00035; gnomAD 0.00038 and 0.00040; ExAC 0.00066.
gnomAD v4.1: 585 of 1,614,042 alleles (0.036%); highest among the groups gnomAD compares: Middle Eastern, 0.58%; 3 homozygotes.

Submissions (20):

CeGaT Center for Human Genetics Tuebingen
Classification: Benign. Last evaluated: 2026-08-01. Review status: criteria provided, single submitter. Criteria: CeGaT Center For Human Genetics Tuebingen Variant Classification Criteria Version 2. Collection method: clinical testing. Allele origin: germline. Affected: yes. Observed: 17 variant alleles.
Comment: TTR: BS1, BS2

Labcorp Genetics (formerly Invitae), Labcorp
Classification: Benign for Amyloidosis, hereditary systemic 1. Last evaluated: 2026-02-01. Review status: criteria provided, single submitter. Criteria: Invitae Variant Classification Sherloc (09022015). Collection method: clinical testing. Allele origin: germline.

Molecular Diagnostic Laboratory for Inherited Cardiovascular Disease, Montreal Heart Institute
Classification: Benign. Last evaluated: 2025-04-08. Review status: criteria provided, single submitter. Criteria: ACMG Guidelines, 2015. Collection method: clinical testing. Allele origin: germline. Affected: no.
Comment: PP2, BS1, BS2, BS4, BP4, BP5, BP6

Blueprint Genetics
Classification: Likely benign. Last evaluated: 2024-10-11. Review status: criteria provided, single submitter. Criteria: ACMG Guidelines, 2015. Collection method: clinical testing. Allele origin: germline.

ARUP Laboratories, Molecular Genetics and Genomics, ARUP Laboratories
Classification: Likely benign. Last evaluated: 2023-12-04. Review status: criteria provided, single submitter. Criteria: ARUP Molecular Germline Variant Investigation Process 2024. Collection method: clinical testing. Allele origin: germline.

Mendelics
Classification: Benign for Amyloidosis, hereditary systemic 1. Last evaluated: 2023-08-22. Review status: criteria provided, single submitter. Criteria: Mendelics Assertion Criteria 2019. Collection method: clinical testing. Allele origin: germline.

Laboratory for Molecular Medicine, Mass General Brigham Personalized Medicine
Classification: Benign. Last evaluated: 2022-06-23. Review status: criteria provided, single submitter. Criteria: ACMG Guidelines, 2015. Collection method: clinical testing. Allele origin: germline.
Comment: Disclaimer: This variant has not undergone full assessment. The following are preliminary notes: ACMG/AMP Criteria applied: BA1.

Genetic Services Laboratory, University of Chicago
Classification: Benign. Last evaluated: 2021-06-17. Review status: criteria provided, single submitter. Criteria: ACMG Guidelines, 2015. Collection method: clinical testing. Allele origin: germline. Affected: no.

Center for Advanced Laboratory Medicine, UC San Diego Health, University of California San Diego
Classification: Likely benign for Heart failure. Last evaluated: 2018-07-03. Review status: criteria provided, single submitter. Criteria: ACMG Guidelines, 2015. Collection method: clinical testing. Allele origin: germline. Affected: yes. Observed: 1 variant allele.

CHEO Genetics Diagnostic Laboratory, Children's Hospital of Eastern Ontario
Classification: Benign for Cardiomyopathy. Last evaluated: 2018-06-11. Review status: criteria provided, single submitter. Criteria: ACMG Guidelines, 2015. Collection method: clinical testing. Allele origin: germline.

Ambry Genetics
Classification: Likely benign for Cardiovascular phenotype. Last evaluated: 2017-10-30. Review status: criteria provided, single submitter. Criteria: Ambry Variant Classification Scheme 2023. Collection method: clinical testing. Allele origin: germline.

Illumina Laboratory Services, Illumina
Classification: Uncertain significance for Amyloidosis, hereditary systemic 1. Last evaluated: 2017-04-28. Review status: criteria provided, single submitter. Criteria: ICSL Variant Classification Criteria 13 December 2019. Collection method: clinical testing. Allele origin: germline.
Comment: This variant was observed as part of a predisposition screen in an ostensibly healthy population. A literature search was performed for the gene, cDNA change, and amino acid change (where applicable). Publications were found based on this search. However, the evidence from the literature, in combination with allele frequency data from public databases where available, was not sufficient to rule this variant in or out of causing disease. Therefore, this variant is classified as a variant of unknown significance.

GeneDx
Classification: Benign. Last evaluated: 2015-03-03. Review status: criteria provided, single submitter. Criteria: GeneDx Variant Classification Process June 2021. Collection method: clinical testing. Allele origin: germline. Affected: yes.
Comment: This variant is associated with the following publications: (PMID: 7923855, 8102146, 1850190)

Molecular Genetics Laboratory, London Health Sciences Centre
Classification: Likely benign for Charcot-Marie-Tooth disease. Review status: criteria provided, single submitter. Criteria: ACMG Guidelines, 2015. Collection method: clinical testing. Allele origin: germline. Affected: yes.

Women's Health and Genetics/Laboratory Corporation of America, LabCorp
Classification: Benign for Amyloidogenic transthyretin amyloidosis. Last evaluated: 2015-05-14. Review status: no assertion criteria provided. Collection method: clinical testing. Allele origin: germline. Not counted in ClinVar's aggregate classification.

OMIM
Classification: Pathogenic for AMYLOIDOSIS, HEREDITARY SYSTEMIC 1. Last evaluated: 1992-07-01. Review status: no assertion criteria provided. Collection method: literature only. Allele origin: germline. Not counted in ClinVar's aggregate classification.

Clinical Genetics, Academic Medical Center
Classification: Likely benign. Review status: no assertion criteria provided. Collection method: clinical testing. Allele origin: germline. Affected: yes. Study: VKGL Data-share Consensus. Not counted in ClinVar's aggregate classification.

Diagnostic Laboratory, Department of Genetics, University Medical Center Groningen
Classification: Likely benign. Review status: no assertion criteria provided. Collection method: clinical testing. Allele origin: germline. Affected: yes. Study: VKGL Data-share Consensus. Not counted in ClinVar's aggregate classification.

Genome Diagnostics Laboratory, University Medical Center Utrecht
Classification: Likely benign. Review status: no assertion criteria provided. Collection method: clinical testing. Allele origin: germline. Affected: yes. Study: VKGL Data-share Consensus. Not counted in ClinVar's aggregate classification.

Joint Genome Diagnostic Labs from Nijmegen and Maastricht, Radboudumc and MUMC+
Classification: Likely benign. Review status: no assertion criteria provided. Collection method: clinical testing. Allele origin: germline. Affected: yes. Study: VKGL Data-share Consensus. Not counted in ClinVar's aggregate classification.

Literature cited by the submitters: PubMed 14640030 (cited by Laboratory for Molecular Medicine, Mass General Brigham Personalized Medicine); PubMed 15185492 (cited by Laboratory for Molecular Medicine, Mass General Brigham Personalized Medicine); PubMed 2590199 (cited by 3 submitters); PubMed 1997217 (cited by Laboratory for Molecular Medicine, Mass General Brigham Personalized Medicine and Illumina Laboratory Services, Illumina); PubMed 1850190 (cited by Laboratory for Molecular Medicine, Mass General Brigham Personalized Medicine and Illumina Laboratory Services, Illumina); PubMed 7923855 (cited by Laboratory for Molecular Medicine, Mass General Brigham Personalized Medicine and Illumina Laboratory Services, Illumina); PubMed 1355416 (cited by 3 submitters); PubMed 9090525 (cited by Laboratory for Molecular Medicine, Mass General Brigham Personalized Medicine and Illumina Laboratory Services, Illumina); PubMed 8102146 (cited by Laboratory for Molecular Medicine, Mass General Brigham Personalized Medicine); PubMed 22332999 (cited by Laboratory for Molecular Medicine, Mass General Brigham Personalized Medicine); PubMed 19428025 (cited by Laboratory for Molecular Medicine, Mass General Brigham Personalized Medicine); PubMed 24955979 (cited by Laboratory for Molecular Medicine, Mass General Brigham Personalized Medicine); PubMed 2174830 (cited by OMIM); PubMed 6736244 (cited by OMIM).

NM_000371.4(TTR):c.328C>A (p.His110Asn)

Gene: TTR (transthyretin; plus strand). Cytogenetic location: 18q12.1.
Variant type: single nucleotide variant.
Coding change: c.328C>A on transcript NM_000371.4 (MANE Select); coding-DNA position 328, C replaced by A.
Protein change: p.His110Asn; replaces histidine 110 with asparagine.
Molecular consequence: missense variant.
Genome position (GRCh38, 1-based): chr18:31,595,247, C>A. VCF-style: chr18-31595247-C-A. GRCh37 (hg19) VCF-style: chr18-29175210-C-A.
Other names: H90N; short protein forms H110N.
Identifiers: ClinVar variation 13427 (VCV000013427.86), dbSNP rs121918074, ClinGen allele CA179461.